The following is an entry in ClinVar:

NM_001346754.2(PIGW):c.677A>G (p.Gln226Arg)

Genes: MYO19 (myosin XIX; minus strand), PIGW (phosphatidylinositol glycan anchor biosynthesis class W; plus strand). Cytogenetic location: 17q12.
Variant type: single nucleotide variant.
Coding change: c.677A>G on transcript NM_001346754.2 (MANE Select); coding-DNA position 677, A replaced by G.
Protein change: p.Gln226Arg; replaces glutamine 226 with arginine.
Molecular consequence: missense variant.
Genome position (GRCh38, 1-based): chr17:36,537,778, A>G. VCF-style: chr17-36537778-A-G. GRCh37 (hg19) VCF-style: chr17-34893627-A-G.
Other names: c.677A>G, p.Gln226Arg (NM_001346755.2, NM_178517.5); short protein forms Q226R.
Identifiers: ClinVar variation 1346677 (VCV001346677.6), dbSNP rs1337758912, ClinGen allele CA399163190.

ClinVar aggregate classification (germline): Uncertain significance (1 of 4 stars; one submission).

Conditions:
Hyperphosphatasia with intellectual disability syndrome 5 (GPIBD11). Also called: GLYCOSYLPHOSPHATIDYLINOSITOL BIOSYNTHESIS DEFECT 11. Identifiers: Orphanet 247262, MedGen C4014958, MONDO:0014457, OMIM 616025.

Allele frequency attached by ClinVar (database versions not stated): TOPMed below 0.00001; gnomAD 0.00001.
gnomAD v4.1: 1 of 1,614,064 alleles (0.000062%); highest among the groups gnomAD compares: Non-Finnish European, 0.000085%; no homozygotes.

Submission:

Labcorp Genetics (formerly Invitae), Labcorp
Classification: Uncertain significance for Hyperphosphatasia with intellectual disability syndrome 5. Last evaluated: 2021-08-10. Review status: criteria provided, single submitter. Criteria: Invitae Variant Classification Sherloc (09022015). Collection method: clinical testing. Allele origin: germline.
Comment: In summary, the available evidence is currently insufficient to determine the role of this variant in disease. Therefore, it has been classified as a Variant of Uncertain Significance. Algorithms developed to predict the effect of missense changes on protein structure and function are either unavailable or do not agree on the potential impact of this missense change (SIFT: "Tolerated"; PolyPhen-2: "Probably Damaging"; Align-GVGD: "Class C0"). This variant has not been reported in the literature in individuals affected with PIGW-related conditions. This variant is not present in population databases (ExAC no frequency). This sequence change replaces glutamine with arginine at codon 226 of the PIGW protein (p.Gln226Arg). The glutamine residue is moderately conserved and there is a small physicochemical difference between glutamine and arginine.